The following is an entry in ClinVar:

ClinVar aggregate classification (germline): Uncertain significance. Review status: criteria provided, multiple submitters, no conflicts (2 of 4 stars). 3 submissions from 3 submitters: Uncertain significance (3). Last evaluated 2022-05-18.

Conditions:
Agammaglobulinemia 3, autosomal recessive (AGM3). Also called: AGAMMAGLOBULINEMIA 3; AGAMMAGLOBULINEMIA, AUTOSOMAL RECESSIVE, DUE TO CD79A DEFECT. Identifiers: MedGen C3150751, MONDO:0013288, OMIM 613501.

Allele frequency attached by ClinVar (database versions not stated): gnomAD exomes below 0.00001 and 0.00001; gnomAD 0.00001; TOPMed 0.00001.
gnomAD v4.1: 11 of 1,612,180 alleles (0.00068%); highest among the groups gnomAD compares: Non-Finnish European, 0.00093%; no homozygotes.

Submissions (3):

Labcorp Genetics (formerly Invitae), Labcorp
Classification: Uncertain significance for Agammaglobulinemia 3, autosomal recessive. Last evaluated: 2022-05-18. Review status: criteria provided, single submitter. Criteria: Invitae Variant Classification Sherloc (09022015). Collection method: clinical testing. Allele origin: germline.
Comment: This sequence change replaces isoleucine, which is neutral and non-polar, with threonine, which is neutral and polar, at codon 151 of the CD79A protein (p.Ile151Thr). This variant is present in population databases (no rsID available, gnomAD 0.0009%). This variant has not been reported in the literature in individuals affected with CD79A-related conditions. ClinVar contains an entry for this variant (Variation ID: 439471). Algorithms developed to predict the effect of missense changes on protein structure and function are either unavailable or do not agree on the potential impact of this missense change (SIFT: "Deleterious"; PolyPhen-2: "Possibly Damaging"; Align-GVGD: "Class C0"). In summary, the available evidence is currently insufficient to determine the role of this variant in disease. Therefore, it has been classified as a Variant of Uncertain Significance.

Blueprint Genetics
Classification: Uncertain significance. Last evaluated: 2021-10-22. Review status: criteria provided, single submitter. Criteria: ACMG Guidelines, 2015. Collection method: clinical testing. Allele origin: germline.

ARUP Laboratories, Molecular Genetics and Genomics, ARUP Laboratories
Classification: Uncertain significance. Last evaluated: 2017-02-10. Review status: criteria provided, single submitter. Criteria: ARUP Molecular Germline Variant Investigation Process. Collection method: clinical testing. Allele origin: germline.

NM_001783.4(CD79A):c.452T>C (p.Ile151Thr)

Genes: CD79A (CD79a molecule; plus strand), RPS19-CD79A (RPS19-CD79A readthrough; plus strand). Cytogenetic location: 19q13.2.
Variant type: single nucleotide variant.
Coding change: c.452T>C on transcript NM_001783.4 (MANE Select); coding-DNA position 452, T replaced by C.
Protein change: p.Ile151Thr; replaces isoleucine 151 with threonine.
Molecular consequence: missense variant.
Genome position (GRCh38, 1-based): chr19:41,879,607, T>C. VCF-style: chr19-41879607-T-C. GRCh37 (hg19) VCF-style: chr19-42383677-T-C.
Other names: c.338T>C, p.Ile113Thr (NM_021601.4); short protein forms I151T, I113T.
Identifiers: ClinVar variation 439471 (VCV000439471.15), dbSNP rs1221821073, ClinGen allele CA406036569.